The following is an entry in ClinVar:

ClinVar aggregate classification (germline): Likely benign. Review status: criteria provided, multiple submitters, no conflicts (2 of 4 stars). 2 submissions from 2 submitters: Likely benign (2). Last evaluated 2025-07-28.

Conditions:
SERPINB8-related disorder. Also called: SERPINB8-related condition.

Allele frequency attached by ClinVar (database versions not stated): ExAC 0.00007; gnomAD exomes 0.00009; TOPMed 0.00009; gnomAD 0.00012.
gnomAD v4.1: 157 of 1,613,298 alleles (0.0097%); highest among the groups gnomAD compares: Middle Eastern, 0.066%; no homozygotes.

Submissions (2):

PreventionGenetics, part of Exact Sciences
Classification: Likely benign for SERPINB8-related condition. Last evaluated: 2025-07-28. Review status: criteria provided, single submitter. Criteria: ACMG Guidelines, 2015. Collection method: clinical testing. Allele origin: germline.
Comment: This variant is classified as likely benign based on ACMG/AMP sequence variant interpretation guidelines (Richards et al. 2015 PMID: 25741868, with internal and published modifications).

Labcorp Genetics (formerly Invitae), Labcorp
Classification: Likely benign. Last evaluated: 2024-02-19. Review status: criteria provided, single submitter. Criteria: Invitae Variant Classification Sherloc (09022015). Collection method: clinical testing. Allele origin: germline.

NM_002640.4(SERPINB8):c.390G>A (p.Lys130=)

Gene: SERPINB8 (serpin family B member 8; plus strand). Cytogenetic location: 18q22.1.
Variant type: single nucleotide variant.
Coding change: c.390G>A on transcript NM_002640.4 (MANE Select); coding-DNA position 390, G replaced by A.
Protein change: p.Lys130=; no amino-acid change (lysine 130 retained).
Molecular consequence: synonymous variant. On other transcripts: 5 prime UTR variant (2), non-coding transcript variant (1).
Genome position (GRCh38, 1-based): chr18:63,981,804, G>A. VCF-style: chr18-63981804-G-A. GRCh37 (hg19) VCF-style: chr18-61649038-G-A.
Other names: c.390G>A, p.Lys130= (NM_001031848.2, NM_001348367.2, NM_001348368.2 and 3 more transcripts); c.-157G>A (NM_001276490.2); c.-8G>A (NM_001348370.2); c.390G>A (NM_198833.1).
Identifiers: ClinVar variation 2146949 (VCV002146949.5), dbSNP rs200805347, ClinGen allele CA8990697.